The following is an entry in ClinVar:

NM_017852.5(NLRP2):c.1916del (p.Pro639fs)

Gene: NLRP2 (NLR family pyrin domain containing 2; plus strand). Cytogenetic location: 19q13.42.
Variant type: Deletion.
Coding change: c.1916del on transcript NM_017852.5 (MANE Select); coding-DNA position 1916, one base deleted (C; older notation c.1916delC).
Protein change: p.Pro639fs; shifts the reading frame from proline 639.
Molecular consequence: frameshift variant. On other transcripts: non-coding transcript variant (1).
Genome position (GRCh38, 1-based): chr19:54,983,614, C deleted; the last of 2 consecutive C bases (chr19:54,983,613-54,983,614); deleting either gives the same sequence. VCF-style (leftmost placement, unchanged base first): chr19-54983612-GC-G. GRCh37 (hg19) VCF-style: chr19-55494980-GC-G.
Other names: c.1916del, p.Pro639fs (NM_001174081.3); c.1850del, p.Pro617fs (NM_001174082.3); c.1847del, p.Pro616fs (NM_001174083.2); c.1907del, p.Pro636fs (NM_001348003.2); short protein forms P616fs, P617fs, P636fs, P639fs.
Identifiers: ClinVar variation 4690051 (VCV004690051.1).
Genomic context (GRCh38, chr19:54,983,612, plus strand): 5'-GAAGGAGGTGATGGCTCAGTTCAAAGAAATATCCCTGCACTTAAATGCAGTAGACGTTGT[GC>G]CATCTTCATTCTGCGTCAAGCACTGTCGAAACCTGCAGAAAATGTCACTGCAGGTAATAA-3'

ClinVar aggregate classification (germline): Uncertain significance (1 of 4 stars; one submission).

Submission:

GeneDx
Classification: Uncertain significance. Last evaluated: 2025-08-01. Review status: criteria provided, single submitter. Criteria: GeneDx Variant Classification Process June 2021. Collection method: clinical testing. Allele origin: germline. Affected: yes.
Comment: Not observed at significant frequency in large population cohorts (gnomAD); Frameshift variant predicted to result in protein truncation or nonsense mediated decay in a gene or region of a gene for which loss of function is not a well-established mechanism of disease; Has not been previously published as pathogenic or benign to our knowledge